The following is an entry in ClinVar:

NM_001077350.3(NPRL3):c.1040del (p.Pro347fs)

Genes: HBA-LCR (alpha-globin locus control region; plus strand), NPRL3 (NPR3 like, GATOR1 complex subunit; minus strand). Cytogenetic location: 16p13.3.
Variant type: Deletion.
Coding change: c.1040del on transcript NM_001077350.3 (MANE Select); coding-DNA position 1040, one base deleted (C; older notation c.1040delC).
Protein change: p.Pro347fs; shifts the reading frame from proline 347.
Molecular consequence: frameshift variant.
Genome position (GRCh38, 1-based): chr16:92,717, G deleted on the plus strand (C on the coding strand, the reverse complement: NPRL3 is on the minus strand); the first of 4 consecutive G bases (chr16:92,717-92,720); deleting any one gives the same sequence. VCF-style (leftmost placement, unchanged base first): chr16-92716-CG-C. GRCh37 (hg19) VCF-style: chr16-142714-CG-C.
Other names: c.503del, p.Pro168fs (NM_001039476.3); c.806del, p.Pro269fs (NM_001243247.2); c.965del, p.Pro322fs (NM_001243248.2, NM_001243249.2); short protein forms P168fs, P347fs, P269fs, P322fs.
Identifiers: ClinVar variation 3646149 (VCV003646149.2).

ClinVar aggregate classification (germline): Pathogenic (1 of 4 stars; one submission).

Conditions:
Epilepsy, familial focal, with variable foci 3 (FFEVF3). Identifiers: MedGen C4310708, MONDO:0014925, OMIM 617118.

Submission:

Labcorp Genetics (formerly Invitae), Labcorp
Classification: Pathogenic for Epilepsy, familial focal, with variable foci 3. Last evaluated: 2024-03-16. Review status: criteria provided, single submitter. Criteria: Invitae Variant Classification Sherloc (09022015). Collection method: clinical testing. Allele origin: germline.
Comment: This sequence change creates a premature translational stop signal (p.Pro347Argfs*66) in the NPRL3 gene. It is expected to result in an absent or disrupted protein product. Loss-of-function variants in NPRL3 are known to be pathogenic (PMID: 26285051, 26505888). This variant is not present in population databases (gnomAD no frequency). This variant has not been reported in the literature in individuals affected with NPRL3-related conditions. For these reasons, this variant has been classified as Pathogenic.

Literature cited by the submitters: PubMed 26285051; PubMed 26505888.